The following is an entry in ClinVar:

NM_000038.6(APC):c.4382A>T (p.Glu1461Val)

Gene: APC (APC regulator of Wnt signaling pathway; plus strand). Cytogenetic location: 5q22.2.
Variant type: single nucleotide variant.
Coding change: c.4382A>T on transcript NM_000038.6 (MANE Select); coding-DNA position 4382, A replaced by T.
Protein change: p.Glu1461Val; replaces glutamic acid 1461 with valine.
Molecular consequence: missense variant. On other transcripts: non-coding transcript variant (2).
Genome position (GRCh38, 1-based): chr5:112,839,976, A>T. VCF-style: chr5-112839976-A-T. GRCh37 (hg19) VCF-style: chr5-112175673-A-T.
Other names: c.4382A>T, p.Glu1461Val (NM_001127510.3, NM_001354895.2, NM_001407450.1); c.4328A>T, p.Glu1443Val (NM_001127511.3); c.4436A>T, p.Glu1479Val (NM_001354896.2, NM_001407447.1, NM_001407448.1 and 1 more transcripts); c.4412A>T, p.Glu1471Val (NM_001354897.2); c.4307A>T, p.Glu1436Val (NM_001354898.2); c.4298A>T, p.Glu1433Val (NM_001354899.2); c.4259A>T, p.Glu1420Val (NM_001354900.2); c.4205A>T, p.Glu1402Val (NM_001354901.2, NM_001407453.1); and 11 more; short protein forms E1077V, E1332V, E1370V, E1378V, E1471V, E1479V, E1360V, E1420V.
Identifiers: ClinVar variation 2808778 (VCV002808778.3), dbSNP rs1765668911, ClinGen allele CA16030926.

ClinVar aggregate classification (germline): Uncertain significance (1 of 4 stars; one submission).

Conditions:
Familial adenomatous polyposis 1 (FAP1). Also called: FAMILIAL ADENOMATOUS POLYPOSIS 1, ATTENUATED; POLYPOSIS, ADENOMATOUS INTESTINAL. Identifiers: MedGen C2713442, MONDO:0021056, OMIM 175100. Disease mechanism: loss of function.

Allele frequency attached by ClinVar (database versions not stated): gnomAD exomes below 0.00001.
gnomAD v4.1: 1 of 1,614,168 alleles (0.000062%); highest among the groups gnomAD compares: African/African-American, 0.0013%; no homozygotes.

Submission:

Labcorp Genetics (formerly Invitae), Labcorp
Classification: Uncertain significance for Familial adenomatous polyposis 1. Last evaluated: 2022-10-17. Review status: criteria provided, single submitter. Criteria: Invitae Variant Classification Sherloc (09022015). Collection method: clinical testing. Allele origin: germline.
Comment: In summary, the available evidence is currently insufficient to determine the role of this variant in disease. Therefore, it has been classified as a Variant of Uncertain Significance. Advanced modeling of protein sequence and biophysical properties (such as structural, functional, and spatial information, amino acid conservation, physicochemical variation, residue mobility, and thermodynamic stability) performed at Invitae indicates that this missense variant is not expected to disrupt APC protein function. This variant has not been reported in the literature in individuals affected with APC-related conditions. This variant is not present in population databases (gnomAD no frequency). This sequence change replaces glutamic acid, which is acidic and polar, with valine, which is neutral and non-polar, at codon 1461 of the APC protein (p.Glu1461Val).